The following is an entry in ClinVar:

NM_015080.4(NRXN2):c.4734G>A (p.Pro1578=)

Gene: NRXN2 (neurexin 2; minus strand). Cytogenetic location: 11q13.1.
Variant type: single nucleotide variant.
Coding change: c.4734G>A on transcript NM_015080.4 (MANE Select); coding-DNA position 4734, G replaced by A.
Protein change: p.Pro1578=; no amino-acid change (proline 1578 retained).
Molecular consequence: synonymous variant. On other transcripts: intron variant (7).
Genome position (GRCh38, 1-based): chr11:64,607,601, C>T on the plus strand (G>A on the coding strand, the complement: NRXN2 is on the minus strand). VCF-style: chr11-64607601-C-T. GRCh37 (hg19) VCF-style: chr11-64375073-C-T.
Other names: c.4524G>A, p.Pro1508= (NM_138732.3); c.1596G>A, p.Pro532= (NM_138734.3); c.4229-101G>A (NM_001376266.1); c.4208-101G>A (NM_001376265.1); c.4142-101G>A (NM_001376267.1); c.4232-101G>A (NM_001376263.1); c.4253-101G>A (NM_001376262.1); c.788-101G>A (NM_001400682.1); and 1 more.
Identifiers: ClinVar variation 4873566 (VCV004873566.2).

ClinVar aggregate classification (germline): Likely benign (1 of 4 stars; one submission).

gnomAD v4.1: 21 of 1,533,914 alleles (0.0014%); highest among the groups gnomAD compares: African/African-American, 0.018%; no homozygotes.

Submission:

CeGaT Center for Human Genetics Tuebingen
Classification: Likely benign. Last evaluated: 2026-06-01. Review status: criteria provided, single submitter. Criteria: CeGaT Center For Human Genetics Tuebingen Variant Classification Criteria Version 2. Collection method: clinical testing. Allele origin: germline. Affected: yes. Observed: 1 variant allele.
Comment: NRXN2: BP4, BP7